The following is an entry in ClinVar:

NM_003906.5(MCM3AP):c.1790G>A (p.Gly597Asp)

Gene: MCM3AP (minichromosome maintenance complex component 3 associated protein; minus strand). Cytogenetic location: 21q22.3.
Variant type: single nucleotide variant.
Coding change: c.1790G>A on transcript NM_003906.5 (MANE Select); coding-DNA position 1790, G replaced by A.
Protein change: p.Gly597Asp; replaces glycine 597 with aspartic acid.
Molecular consequence: missense variant.
Genome position (GRCh38, 1-based): chr21:46,277,595, C>T on the plus strand (G>A on the coding strand, the complement: MCM3AP is on the minus strand). VCF-style: chr21-46277595-C-T. GRCh37 (hg19) VCF-style: chr21-47697509-C-T.
Other names: short protein forms G597D.
Identifiers: ClinVar variation 1947245 (VCV001947245.2), dbSNP rs762138971, ClinGen allele CA321976087.

ClinVar aggregate classification (germline): Uncertain significance (1 of 4 stars; one submission).

Allele frequency attached by ClinVar (database versions not stated): gnomAD 0.00001; gnomAD exomes 0.00001; TOPMed 0.00001.
gnomAD v4.1: 23 of 1,611,254 alleles (0.0014%); highest among the groups gnomAD compares: Non-Finnish European, 0.0018%; no homozygotes.

Submission:

Labcorp Genetics (formerly Invitae), Labcorp
Classification: Uncertain significance. Last evaluated: 2022-05-10. Review status: criteria provided, single submitter. Criteria: Invitae Variant Classification Sherloc (09022015). Collection method: clinical testing. Allele origin: germline.
Comment: This sequence change replaces glycine, which is neutral and non-polar, with aspartic acid, which is acidic and polar, at codon 597 of the MCM3AP protein (p.Gly597Asp). This variant is present in population databases (rs762138971, gnomAD 0.002%). This variant has not been reported in the literature in individuals affected with MCM3AP-related conditions. Algorithms developed to predict the effect of missense changes on protein structure and function (SIFT, PolyPhen-2, Align-GVGD) all suggest that this variant is likely to be disruptive. In summary, the available evidence is currently insufficient to determine the role of this variant in disease. Therefore, it has been classified as a Variant of Uncertain Significance.